The following is an entry in ClinVar:

ClinVar aggregate classification (germline): Uncertain significance (1 of 4 stars; one submission).

Conditions:
Arrhythmogenic cardiomyopathy with wooly hair and keratoderma. Also called: Carvajal syndrome; Dilated cardiomyopathy with woolly hair and keratoderma; Arrhythmogenic cardiomyopathy with woolly hair and keratoderma; PALMOPLANTAR KERATODERMA WITH LEFT VENTRICULAR CARDIOMYOPATHY AND WOOLLY HAIR. Identifiers: Orphanet 65282, MedGen C1854063, MONDO:0011581, OMIM 605676.
Arrhythmogenic right ventricular dysplasia 8 (ARVD8). Also called: Arrhythmogenic Right Ventricular Dysplasia/Cardiomyopathy 8; ARRHYTHMOGENIC RIGHT VENTRICULAR DYSPLASIA, FAMILIAL, 8; ARRHYTHMOGENIC RIGHT VENTRICULAR CARDIOMYOPATHY 8. Identifiers: MedGen C1843896, MONDO:0011831, OMIM 607450.

gnomAD v4.1: 2 of 1,610,202 alleles (0.00012%); highest among the groups gnomAD compares: African/African-American, 0.0013%; no homozygotes.

Submission:

Labcorp Genetics (formerly Invitae), Labcorp
Classification: Uncertain significance for Arrhythmogenic cardiomyopathy with wooly hair and keratoderma; Arrhythmogenic right ventricular dysplasia 8. Last evaluated: 2025-03-11. Review status: criteria provided, single submitter. Criteria: Invitae Variant Classification Sherloc (09022015). Collection method: clinical testing. Allele origin: germline.
Comment: This sequence change replaces glycine, which is neutral and non-polar, with arginine, which is basic and polar, at codon 2828 of the DSP protein (p.Gly2828Arg). This variant is not present in population databases (gnomAD no frequency). This variant has not been reported in the literature in individuals affected with DSP-related conditions. ClinVar contains an entry for this variant (Variation ID: 1057698). An algorithm developed to predict the effect of missense changes on protein structure and function (PolyPhen-2) suggests that this variant is likely to be disruptive. In summary, the available evidence is currently insufficient to determine the role of this variant in disease. Therefore, it has been classified as a Variant of Uncertain Significance.

NM_004415.4(DSP):c.8482G>C (p.Gly2828Arg)

Gene: DSP (desmoplakin; plus strand). Cytogenetic location: 6p24.3.
Variant type: single nucleotide variant.
Coding change: c.8482G>C on transcript NM_004415.4 (MANE Select); coding-DNA position 8482, G replaced by C.
Protein change: p.Gly2828Arg; replaces glycine 2828 with arginine.
Molecular consequence: missense variant.
Genome position (GRCh38, 1-based): chr6:7,585,744, G>C. VCF-style: chr6-7585744-G-C. GRCh37 (hg19) VCF-style: chr6-7585977-G-C.
Other names: c.6685G>C, p.Gly2229Arg (NM_001008844.3); c.7153G>C, p.Gly2385Arg (NM_001319034.2); short protein forms G2229R, G2385R, G2828R.
Identifiers: ClinVar variation 1057698 (VCV001057698.9), dbSNP rs369682599, ClinGen allele CA362695235.